The following is an entry in ClinVar:

NM_000488.4(SERPINC1):c.500A>C (p.Asn167Thr)

Gene: SERPINC1 (serpin family C member 1; minus strand). Cytogenetic location: 1q25.1.
Variant type: single nucleotide variant.
Coding change: c.500A>C on transcript NM_000488.4 (MANE Select); coding-DNA position 500, A replaced by C.
Protein change: p.Asn167Thr; replaces asparagine 167 with threonine.
Molecular consequence: missense variant. On other transcripts: intron variant (1).
Genome position (GRCh38, 1-based): chr1:173,911,923, T>G on the plus strand (A>C on the coding strand, the complement: SERPINC1 is on the minus strand). VCF-style: chr1-173911923-T-G. GRCh37 (hg19) VCF-style: chr1-173881061-T-G.
Other names: N135T; NM_000488.4(SERPINC1):c.500A>C; c.356A>C, p.Asn119Thr (NM_001365052.2); c.500A>C, p.Asn167Thr (NM_001386302.1, NM_001386304.1, NM_001386305.1); c.581A>C, p.Asn194Thr (NM_001386303.1); c.409-1032A>C (NM_001386306.1); short protein forms N167T, N119T, N194T.
Identifiers: ClinVar variation 18041 (VCV000018041.2), dbSNP rs121909570, ClinGen allele CA210795.
Genomic context (GRCh38, chr1:173,911,923, plus strand): 5'-TTGAAGGTAAGGGATTTGTCTCCAAAAAGGCGATTGGCTGATACTAACTTGGAGGATTTG[T>G]TGGCTTTTCGATAGAGTCGGCAGTTCAGTTTGGCAAAGAAGAAGTGGATCTGATCAGATG-3'
Protein context (NP_000479.1, residues 157-177): KLNCRLYRKA[Asn167Thr]KSSKLVSANR

ClinVar aggregate classification (germline): Uncertain significance. Review status: reviewed by expert panel (3 of 4 stars). 2 submissions from 2 submitters: Uncertain significance (1). 1 of the submissions does not count toward it. Last evaluated 2026-02-20.

Conditions:
Hereditary antithrombin deficiency (AT3D). Also called: Reduced antithrombin III activity; Antithrombin deficiency; Antithrombin III deficiency; Thrombophilia due to antithrombin III deficiency. Identifiers: Orphanet 82, MedGen C0272375, MONDO:0013144, OMIM 613118, HP:0001976.

Submissions (2):

Clingen Thrombosis Variant Curation Expert Panel, ClinGen
Classification: Uncertain significance for Hereditary antithrombin deficiency. Last evaluated: 2026-02-20. Review status: reviewed by expert panel. Criteria: ClinGen ACMG Specifications SERPINC1 V1.0.0. Collection method: curation. Allele origin: germline. Inheritance: Autosomal dominant inheritance.
Comment: The NM_000488.4(SERPINC1):c.500A>C variant in SERPINC1 is a missense variant predicted to cause substitution of asparagine by threonine at amino acid 167; p.Asn167Thr. This variant is absent from gnomAD v4.1.0 (PM2_Supporting). At least one patient with this variant displayed an antithrombin activity level of < 0.8 IU/mL on repeated independent samples, which is highly specific for hereditary antithrombin deficiency (PP4, PMID:10361121). The variant has been reported to segregate with hereditary antithrombin deficiency in two affected family members from one family (PP1; PMID:10361121). In summary, this variant meets the criteria to be classified as uncertain significance due to insufficient evidence for autosomal dominant hereditary antithrombin deficiency based on the ACMG/AMP criteria applied, as specified by the ClinGen Thrombosis VCEP v1.1.0: PM2_Supporting, PP4, PP1.

OMIM
Classification: Pathogenic for THROMBOPHILIA DUE TO ANTITHROMBIN III DEFICIENCY. Last evaluated: 1999-06-15. Review status: no assertion criteria provided. Collection method: literature only. Allele origin: germline. Not counted in ClinVar's aggregate classification.

Literature cited by the submitters: PubMed 10361121 (cited by OMIM).